The following is an entry in ClinVar:

NM_198060.4(NRAP):c.3099G>A (p.Trp1033Ter)

Gene: NRAP (nebulin related anchoring protein; minus strand). Cytogenetic location: 10q25.3.
Variant type: single nucleotide variant.
Coding change: c.3099G>A on transcript NM_198060.4 (MANE Select); coding-DNA position 3099, G replaced by A.
Protein change: p.Trp1033Ter; replaces tryptophan 1033 with a stop codon.
Molecular consequence: nonsense.
Genome position (GRCh38, 1-based): chr10:113,614,926, C>T on the plus strand (G>A on the coding strand, the complement: NRAP is on the minus strand). VCF-style: chr10-113614926-C-T. GRCh37 (hg19) VCF-style: chr10-115374685-C-T.
Other names: c.3099G>A, p.Trp1033Ter (NM_001261463.2); c.2991G>A, p.Trp997Ter (NM_001322945.2); c.2994G>A, p.Trp998Ter (NM_006175.5); short protein forms W1033*, W997*, W998*.
Identifiers: ClinVar variation 3894990 (VCV003894990.4), dbSNP rs199673219.

ClinVar aggregate classification (germline): Pathogenic/Likely pathogenic. Review status: criteria provided, multiple submitters, no conflicts (2 of 4 stars). 4 submissions from 4 submitters: Pathogenic (1); Likely pathogenic (3). Last evaluated 2026-02-10.

Conditions:
Non-dilated left ventricular cardiomyopathy.
Cardiovascular phenotype. Identifiers: MedGen CN230736.
NRAP-related disorder. Also called: NRAP-related condition.

gnomAD v4.1: 75 of 1,608,886 alleles (0.0047%); highest among the groups gnomAD compares: Non-Finnish European, 0.0056%; 1 homozygote.

Submissions (4):

Cardiogenetics and Sports Cardiology Unit, National And Kapodistrian University of Athens NKUA
Classification: Likely pathogenic for Non-dilated left ventricular cardiomyopathy. Last evaluated: 2026-02-10. Review status: criteria provided, single submitter. Criteria: ACMG Guidelines, 2015. Collection method: clinical testing. Allele origin: germline. Inheritance: Autosomal recessive inheritance. Affected: yes. Observed: 1 variant allele, 1 homozygote.
Comment: The variation is leading to a premature codon stop and loss of function of the resulting protein. (PVS1).The variation is detected at a very low frequency at the GnomAD database (PM2) and has been reported to a patient with cardiovascular phenotype (RCV005404215.1)(PS4). The variant has been reported in the literature as a likely pathogenic (LP) finding and as a cause of dilated cardiomyopathy (33534821). Association of the NRAP gene with dilated cardiomyopathy in homozygosity has been documented (41465143, 41033658, 30384889,28611399). Additionally, in vitro functional studies in mice have shown that chronic NRAP overexpression in the mouse leads to right ventricular cardiomyopathy (21276443).

3billion
Classification: Pathogenic for NRAP-related disorder. Last evaluated: 2026-01-25. Review status: criteria provided, single submitter. Criteria: ACMG Guidelines, 2015. Collection method: clinical testing. Allele origin: germline. Affected: yes.
Comment: The variant is observed at an extremely low frequency in the gnomAD v4.1.0 dataset (total allele frequency: 0.005%). Predicted Consequence/Location: Stop-gained (nonsense): predicted to result in a loss or disruption of normal protein function through nonsense-mediated decay (NMD) or protein truncation. Multiple pathogenic variants are reported downstream of the variant. The variant has been reported to be associated with NRAP-related disorder (ClinVar ID: VCV003894990 /PMID: 33534821). Therefore, this variant is classified as Pathogenic according to the recommendation of ACMG/AMP guideline.

Molecular Diagnostic Laboratory for Inherited Cardiovascular Disease, Montreal Heart Institute
Classification: Likely pathogenic for Cardiovascular phenotype. Last evaluated: 2023-06-19. Review status: criteria provided, single submitter. Criteria: ACMG Guidelines, 2015. Collection method: clinical testing. Allele origin: germline. Affected: yes.

Blueprint Genetics
Classification: Likely pathogenic for NRAP-related disorders. Last evaluated: 2023-06-06. Review status: criteria provided, single submitter. Criteria: ACMG Guidelines, 2015. Collection method: clinical testing. Allele origin: germline. Affected: yes. Observed: 5 variant alleles.

Literature cited by the submitters: PubMed 33534821 (cited by Cardiogenetics and Sports Cardiology Unit, National And Kapodistrian University of Athens NKUA and 3billion); PubMed 41465143 (cited by Cardiogenetics and Sports Cardiology Unit, National And Kapodistrian University of Athens NKUA); PubMed 41033658 (cited by Cardiogenetics and Sports Cardiology Unit, National And Kapodistrian University of Athens NKUA); PubMed 30384889 (cited by Cardiogenetics and Sports Cardiology Unit, National And Kapodistrian University of Athens NKUA); PubMed 28611399 (cited by Cardiogenetics and Sports Cardiology Unit, National And Kapodistrian University of Athens NKUA); PubMed 21276443 (cited by Cardiogenetics and Sports Cardiology Unit, National And Kapodistrian University of Athens NKUA).